The following is an entry in ClinVar:

ClinVar aggregate classification (germline): Uncertain significance. Review status: criteria provided, multiple submitters, no conflicts (2 of 4 stars). 3 submissions from 3 submitters: Uncertain significance (3). Last evaluated 2025-04-14.

Conditions:
Andersen Tawil syndrome (LQT7). Also called: Potassium-sensitive periodic paralysis, ventricular ectopy, and dysmorphic features; ANDERSEN CARDIODYSRHYTHMIC PERIODIC PARALYSIS; PERIODIC PARALYSIS, POTASSIUM-SENSITIVE CARDIODYSRHYTHMIC TYPE; Andersen Syndrome; LONG QT SYNDROME 7. Identifiers: Orphanet 37553, MedGen C1563715, MONDO:0008222, OMIM 170390.
Short QT syndrome type 3. Identifiers: Orphanet 51083, MedGen C1865018, MONDO:0012314, OMIM 609622.
Cardiovascular phenotype. Identifiers: MedGen CN230736.

Allele frequency attached by ClinVar (database versions not stated): gnomAD exomes below 0.00001; ExAC 0.00001.

Submissions (3):

GeneDx
Classification: Uncertain significance. Last evaluated: 2025-04-14. Review status: criteria provided, single submitter. Criteria: GeneDx Variant Classification Process June 2021. Collection method: clinical testing. Allele origin: germline. Affected: yes.
Comment: Not observed at significant frequency in large population cohorts (gnomAD); In silico analysis indicates that this missense variant does not alter protein structure/function; Has not been previously published as pathogenic or benign to our knowledge

Ambry Genetics
Classification: Uncertain significance for Cardiovascular phenotype. Last evaluated: 2024-09-06. Review status: criteria provided, single submitter. Criteria: Ambry Variant Classification Scheme 2023. Collection method: clinical testing. Allele origin: germline.
Comment: The p.I87V variant (also known as c.259A>G), located in coding exon 1 of the KCNJ2 gene, results from an A to G substitution at nucleotide position 259. The isoleucine at codon 87 is replaced by valine, an amino acid with highly similar properties. This amino acid position is highly conserved in available vertebrate species. In addition, the in silico prediction for this alteration is inconclusive. Based on the available evidence, the clinical significance of this variant remains unclear.

Labcorp Genetics (formerly Invitae), Labcorp
Classification: Uncertain significance for Short QT syndrome type 3; Andersen Tawil syndrome. Last evaluated: 2024-05-06. Review status: criteria provided, single submitter. Criteria: Invitae Variant Classification Sherloc (09022015). Collection method: clinical testing. Allele origin: germline.
Comment: This sequence change replaces isoleucine, which is neutral and non-polar, with valine, which is neutral and non-polar, at codon 87 of the KCNJ2 protein (p.Ile87Val). This variant is present in population databases (rs748958117, gnomAD 0.003%). This variant has not been reported in the literature in individuals affected with KCNJ2-related conditions. ClinVar contains an entry for this variant (Variation ID: 656328). Advanced modeling of protein sequence and biophysical properties (such as structural, functional, and spatial information, amino acid conservation, physicochemical variation, residue mobility, and thermodynamic stability) performed at Invitae indicates that this missense variant is not expected to disrupt KCNJ2 protein function with a negative predictive value of 80%. In summary, the available evidence is currently insufficient to determine the role of this variant in disease. Therefore, it has been classified as a Variant of Uncertain Significance.

NM_000891.3(KCNJ2):c.259A>G (p.Ile87Val)

Gene: KCNJ2 (potassium inwardly rectifying channel subfamily J member 2; plus strand). Cytogenetic location: 17q24.3.
Variant type: single nucleotide variant.
Coding change: c.259A>G on transcript NM_000891.3 (MANE Select); coding-DNA position 259, A replaced by G.
Protein change: p.Ile87Val; replaces isoleucine 87 with valine.
Molecular consequence: missense variant.
Genome position (GRCh38, 1-based): chr17:70,175,298, A>G. VCF-style: chr17-70175298-A-G. GRCh37 (hg19) VCF-style: chr17-68171439-A-G.
Other names: short protein forms I87V.
Identifiers: ClinVar variation 656328 (VCV000656328.10), dbSNP rs748958117, ClinGen allele CA8738705.